The following is an entry in ClinVar:

NM_005045.4(RELN):c.338G>A (p.Gly113Glu)

Gene: RELN (reelin; minus strand). Cytogenetic location: 7q22.1.
Variant type: single nucleotide variant.
Coding change: c.338G>A on transcript NM_005045.4 (MANE Select); coding-DNA position 338, G replaced by A.
Protein change: p.Gly113Glu; replaces glycine 113 with glutamic acid.
Molecular consequence: missense variant.
Genome position (GRCh38, 1-based): chr7:103,833,672, C>T on the plus strand (G>A on the coding strand, the complement: RELN is on the minus strand). VCF-style: chr7-103833672-C-T. GRCh37 (hg19) VCF-style: chr7-103474119-C-T.
Other names: c.338G>A, p.Gly113Glu (NM_173054.3); short protein forms G113E.
Identifiers: ClinVar variation 2119443 (VCV002119443.4), dbSNP rs2485206640, ClinGen allele CA368930942.
Genomic context (GRCh38, chr7:103,833,672, plus strand): 5'-ACGTGAGAGGCTACCACACTGCACATAAACTGGTTACCAAACTGGTGGTCAGACATGATC[C>T]CTAAGAGAAAGGAAGGAGAGTTGTTACAAAGACAACAAAACAAAGATCTTCCTATCATGG-3'
Protein context (NP_005036.2, residues 103-123): SIGGSSAFGF[Gly113Glu]IMSDHQFGNQ

ClinVar aggregate classification (germline): Uncertain significance (1 of 4 stars; one submission).

Conditions:
Norman-Roberts syndrome (LIS2). Also called: Lissencephaly 2 (Norman-Roberts type). Identifiers: Orphanet 89844, MedGen C0796089, MONDO:0009760, OMIM 257320.
Familial temporal lobe epilepsy 7. Identifiers: Orphanet 101046, MedGen C4225327, MONDO:0014639, OMIM 616436.

Allele frequency attached by ClinVar (database versions not stated): gnomAD exomes below 0.00001.
gnomAD v4.1: 2 of 1,613,120 alleles (0.00012%); highest among the groups gnomAD compares: Non-Finnish European, 0.00017%; no homozygotes.

Submission:

Labcorp Genetics (formerly Invitae), Labcorp
Classification: Uncertain significance for Familial temporal lobe epilepsy 7; Norman-Roberts syndrome. Last evaluated: 2022-05-25. Review status: criteria provided, single submitter. Criteria: Invitae Variant Classification Sherloc (09022015). Collection method: clinical testing. Allele origin: germline.
Comment: This variant is not present in population databases (gnomAD no frequency). In summary, the available evidence is currently insufficient to determine the role of this variant in disease. Therefore, it has been classified as a Variant of Uncertain Significance. Algorithms developed to predict the effect of sequence changes on RNA splicing suggest that this variant may create or strengthen a splice site. Algorithms developed to predict the effect of missense changes on protein structure and function are either unavailable or do not agree on the potential impact of this missense change (SIFT: "Deleterious"; PolyPhen-2: "Possibly Damaging"; Align-GVGD: "Class C0"). This variant has not been reported in the literature in individuals affected with RELN-related conditions. This sequence change replaces glycine, which is neutral and non-polar, with glutamic acid, which is acidic and polar, at codon 113 of the RELN protein (p.Gly113Glu).